The following is an entry in ClinVar:

ClinVar aggregate classification (germline): Pathogenic. Review status: criteria provided, multiple submitters, no conflicts (2 of 4 stars). 2 submissions from 2 submitters: Pathogenic (2). Last evaluated 2025-09-25.

Conditions:
Acyl-CoA oxidase deficiency. Also called: STRAIGHT-CHAIN ACYL-CoA OXIDASE DEFICIENCY; Peroxisomal acyl-CoA oxidase deficiency; Pseudoneonatal adrenoleukodystrophy. Identifiers: Orphanet 2971, MedGen C1849678, MONDO:0009919, OMIM 264470. Disease mechanism: loss of function.

Submissions (2):

GeneDx
Classification: Pathogenic. Last evaluated: 2025-09-25. Review status: criteria provided, single submitter. Criteria: GeneDx Variant Classification Process June 2021. Collection method: clinical testing. Allele origin: germline. Affected: yes.
Comment: Frameshift variant predicted to result in protein truncation or nonsense mediated decay in a gene for which loss of function is a known mechanism of disease; Not observed at significant frequency in large population cohorts (gnomAD); Has not been previously published as pathogenic or benign to our knowledge

Labcorp Genetics (formerly Invitae), Labcorp
Classification: Pathogenic for Acyl-CoA oxidase deficiency. Last evaluated: 2023-11-15. Review status: criteria provided, single submitter. Criteria: Invitae Variant Classification Sherloc (09022015). Collection method: clinical testing. Allele origin: germline.
Comment: This sequence change creates a premature translational stop signal (p.Asn501Lysfs*22) in the ACOX1 gene. It is expected to result in an absent or disrupted protein product. Loss-of-function variants in ACOX1 are known to be pathogenic (PMID: 8040306, 17458872). This variant is not present in population databases (gnomAD no frequency). This variant has not been reported in the literature in individuals affected with ACOX1-related conditions. Algorithms developed to predict the effect of sequence changes on RNA splicing suggest that this variant may disrupt the consensus splice site. For these reasons, this variant has been classified as Pathogenic.

Literature cited by the submitters: PubMed 8040306 (cited by Labcorp Genetics (formerly Invitae), Labcorp); PubMed 17458872 (cited by Labcorp Genetics (formerly Invitae), Labcorp).

NM_004035.7(ACOX1):c.1502dup (p.Asn501fs)

Gene: ACOX1 (acyl-CoA oxidase 1; minus strand). Cytogenetic location: 17q25.1.
Variant type: Duplication.
Coding change: c.1502dup on transcript NM_004035.7 (MANE Select); coding-DNA position 1502, one base duplicated (A; older notation c.1502dupA).
Protein change: p.Asn501fs; shifts the reading frame from asparagine 501.
Molecular consequence: frameshift variant.
Genome position (GRCh38, 1-based): chr17:75,949,577, T duplicated on the plus strand (A on the coding strand, the reverse complement: ACOX1 is on the minus strand); the first of 6 consecutive T bases (chr17:75,949,577-75,949,582); duplicating any one gives the same sequence. VCF-style (leftmost placement, unchanged base first): chr17-75949576-G-GT. GRCh37 (hg19) VCF-style: chr17-73945657-G-GT.
Other names: c.1502dup (NM_004035.6); c.1388dup, p.Asn463fs (NM_001185039.2); c.1502dup, p.Asn501fs (NM_007292.6); short protein forms N501fs, N463fs.
Identifiers: ClinVar variation 2874571 (VCV002874571.5), dbSNP rs2546074880, ClinGen allele CA645599167.